The following is an entry in ClinVar:

ClinVar aggregate classification (germline): Uncertain significance (1 of 4 stars; one submission).

Conditions:
Hereditary nonpolyposis colorectal neoplasms. Identifiers: MedGen C0009405, MeSH D003123.

Submission:

Labcorp Genetics (formerly Invitae), Labcorp
Classification: Uncertain significance for Hereditary nonpolyposis colorectal neoplasms. Last evaluated: 2021-10-26. Review status: criteria provided, single submitter. Criteria: Invitae Variant Classification Sherloc (09022015). Collection method: clinical testing. Allele origin: germline.
Comment: This variant is not present in population databases (ExAC no frequency). This sequence change replaces threonine with isoleucine at codon 6 of the MSH6 protein (p.Thr6Ile). The threonine residue is highly conserved and there is a moderate physicochemical difference between threonine and isoleucine. In summary, the available evidence is currently insufficient to determine the role of this variant in disease. Therefore, it has been classified as a Variant of Uncertain Significance. Advanced modeling of protein sequence and biophysical properties (such as structural, functional, and spatial information, amino acid conservation, physicochemical variation, residue mobility, and thermodynamic stability) performed at Invitae indicates that this missense variant is not expected to disrupt MSH6 protein function. This variant has not been reported in the literature in individuals affected with MSH6-related conditions.

NM_000179.3(MSH6):c.17C>T (p.Thr6Ile)

Gene: MSH6 (mutS homolog 6; plus strand). Cytogenetic location: 2p16.3.
Variant type: single nucleotide variant.
Coding change: c.17C>T on transcript NM_000179.3 (MANE Select); coding-DNA position 17, C replaced by T.
Protein change: p.Thr6Ile; replaces threonine 6 with isoleucine.
Molecular consequence: missense variant. On other transcripts: 5 prime UTR variant (1).
Genome position (GRCh38, 1-based): chr2:47,783,250, C>T. VCF-style: chr2-47783250-C-T. GRCh37 (hg19) VCF-style: chr2-48010389-C-T.
Other names: c.17C>T, p.Thr6Ile (NM_001281492.2); c.-720C>T (NM_001281493.2); short protein forms T6I.
Identifiers: ClinVar variation 1513928 (VCV001513928.6), dbSNP rs1572697743, ClinGen allele CA346734492.